The following is an entry in ClinVar:

ClinVar aggregate classification (germline): Uncertain significance (1 of 4 stars; one submission).

gnomAD v4.1: 1 of 1,612,368 alleles (0.000062%); highest among the groups gnomAD compares: Non-Finnish European, 0.000085%; no homozygotes.

Submission:

Labcorp Genetics (formerly Invitae), Labcorp
Classification: Uncertain significance. Last evaluated: 2022-09-03. Review status: criteria provided, single submitter. Criteria: Invitae Variant Classification Sherloc (09022015). Collection method: clinical testing. Allele origin: germline.
Comment: This sequence change replaces isoleucine, which is neutral and non-polar, with phenylalanine, which is neutral and non-polar, at codon 744 of the MYO7A protein (p.Ile744Phe). This variant is not present in population databases (gnomAD no frequency). This variant has not been reported in the literature in individuals affected with MYO7A-related conditions. Advanced modeling of protein sequence and biophysical properties (such as structural, functional, and spatial information, amino acid conservation, physicochemical variation, residue mobility, and thermodynamic stability) performed at Invitae indicates that this missense variant is not expected to disrupt MYO7A protein function. In summary, the available evidence is currently insufficient to determine the role of this variant in disease. Therefore, it has been classified as a Variant of Uncertain Significance.

NM_000260.4(MYO7A):c.2230A>T (p.Ile744Phe)

Gene: MYO7A (myosin VIIA; plus strand). Cytogenetic location: 11q13.5.
Variant type: single nucleotide variant.
Coding change: c.2230A>T on transcript NM_000260.4 (MANE Select); coding-DNA position 2230, A replaced by T.
Protein change: p.Ile744Phe; replaces isoleucine 744 with phenylalanine.
Molecular consequence: missense variant.
Genome position (GRCh38, 1-based): chr11:77,177,591, A>T. VCF-style: chr11-77177591-A-T. GRCh37 (hg19) VCF-style: chr11-76888637-A-T.
Other names: c.2230A>T, p.Ile744Phe (NM_001127180.2); c.2197A>T, p.Ile733Phe (NM_001369365.1); short protein forms I733F, I744F.
Identifiers: ClinVar variation 2113122 (VCV002113122.4), dbSNP rs1183488561, ClinGen allele CA381940472.